The following is an entry in ClinVar:

NM_001174150.2(ARL13B):c.*8G>A

Gene: ARL13B (ARF like GTPase 13B; plus strand). Cytogenetic location: 3q11.2.
Variant type: single nucleotide variant.
Coding change: c.*8G>A on transcript NM_001174150.2 (MANE Select); 8 bases downstream of the stop codon, G replaced by A.
Molecular consequence: 3 prime UTR variant. On other transcripts: non-coding transcript variant (2).
Genome position (GRCh38, 1-based): chr3:94,053,271, G>A. VCF-style: chr3-94053271-G-A. GRCh37 (hg19) VCF-style: chr3-93772115-G-A.
Other names: c.*8G>A (NM_001174151.2, NM_001321328.2, NM_001410782.1 and 2 more transcripts).
Identifiers: ClinVar variation 3041478 (VCV003041478.2), dbSNP rs192550354, ClinGen allele CA2504334.
Genomic context (GRCh38, chr3:94,053,271, plus strand): 5'-CCCTGGCTGTGCCACAGCGACCTAACAGTGATGCTCATGATGTGATCTCATAAACAAGAC[G>A]TATGGAGGAGTTCTCTTAATATCAGCAAGGTGAACTGGGACATTCTTCTTTCTCAGAAGA-3'

ClinVar aggregate classification (germline): Likely benign (0 of 4 stars; one submission).

Conditions:
ARL13B-related disorder. Also called: ARL13B-related condition.

Allele frequency attached by ClinVar (database versions not stated): gnomAD exomes below 0.00001; TOPMed 0.00003.
gnomAD v4.1: 10 of 1,611,404 alleles (0.00062%); highest among the groups gnomAD compares: Admixed American, 0.005%; no homozygotes.

Submission:

PreventionGenetics, part of Exact Sciences
Classification: Likely benign for ARL13B-related condition. Last evaluated: 2019-05-08. Review status: no assertion criteria provided. Collection method: clinical testing. Allele origin: germline.
Comment: This variant is classified as likely benign based on ACMG/AMP sequence variant interpretation guidelines (Richards et al. 2015 PMID: 25741868, with internal and published modifications).